The following is an entry in ClinVar:

ClinVar aggregate classification (germline): Uncertain significance (1 of 4 stars; one submission).

Conditions:
Hereditary cancer-predisposing syndrome. Also called: Tumor predisposition; Hereditary Cancer Syndrome; Hereditary neoplastic syndrome; Neoplastic Syndromes, Hereditary. Identifiers: Orphanet 140162, MedGen C0027672, MeSH D009386, MONDO:0015356.

Submission:

Ambry Genetics
Classification: Uncertain significance for Hereditary cancer-predisposing syndrome. Last evaluated: 2024-05-22. Review status: criteria provided, single submitter. Criteria: Ambry Variant Classification Scheme 2023. Collection method: clinical testing. Allele origin: germline.
Comment: The p.A426S variant (also known as c.1276G>T), located in coding exon 9 of the FH gene, results from a G to T substitution at nucleotide position 1276. The alanine at codon 426 is replaced by serine, an amino acid with similar properties. This amino acid position is conserved. In addition, the in silico prediction for this alteration is inconclusive. Based on the available evidence, the clinical significance of this variant remains unclear.

NM_000143.4(FH):c.1276G>T (p.Ala426Ser)

Gene: FH (fumarate hydratase; minus strand). Cytogenetic location: 1q43.
Variant type: single nucleotide variant.
Coding change: c.1276G>T on transcript NM_000143.4 (MANE Select); coding-DNA position 1276, G replaced by T.
Protein change: p.Ala426Ser; replaces alanine 426 with serine.
Molecular consequence: missense variant.
Genome position (GRCh38, 1-based): chr1:241,500,551, C>A on the plus strand (G>T on the coding strand, the complement: FH is on the minus strand). VCF-style: chr1-241500551-C-A. GRCh37 (hg19) VCF-style: chr1-241663851-C-A.
Other names: short protein forms A426S.
Identifiers: ClinVar variation 3278749 (VCV003278749.1).